The following is an entry in ClinVar:

NM_021971.4(GMPPB):c.878G>A (p.Arg293Gln)

Gene: GMPPB (GDP-mannose pyrophosphorylase B; minus strand). Cytogenetic location: 3p21.31.
Variant type: single nucleotide variant.
Coding change: c.878G>A on transcript NM_021971.4 (MANE Select); coding-DNA position 878, G replaced by A.
Protein change: p.Arg293Gln; replaces arginine 293 with glutamine.
Molecular consequence: missense variant.
Genome position (GRCh38, 1-based): chr3:49,722,038, C>T on the plus strand (G>A on the coding strand, the complement: GMPPB is on the minus strand). VCF-style: chr3-49722038-C-T. GRCh37 (hg19) VCF-style: chr3-49759471-C-T.
Other names: c.878G>A, p.Arg293Gln (NM_013334.4); short protein forms R293Q.
Identifiers: ClinVar variation 541077 (VCV000541077.5), dbSNP rs748809549, ClinGen allele CA74541431.

ClinVar aggregate classification (germline): Uncertain significance (1 of 4 stars; one submission).

Conditions:
Muscular dystrophy-dystroglycanopathy (congenital with brain and eye anomalies), type A14. Also called: Congenital Muscular Dystrophy-Dystroglycanopathy with Brain and Eye Anomalies Type A 14; Congenital muscular dystrophy-dystroglycanopathy with brain and eye anomalies, type A14; Muscular dystrophy-dystroglycanopathy (congenital with brain and eye anomalies), type a, 14; WALKER-WARBURG SYNDROME OR MUSCLE-EYE-BRAIN DISEASE, GMPPB-RELATED. Identifiers: Orphanet 588, MedGen C3809216, MONDO:0014140, OMIM 615350.
Muscular dystrophy-dystroglycanopathy (congenital with impaired intellectual development), type B, 14. Also called: Congenital muscular dystrophy-dystroglycanopathy with mental retardation, type B14; MUSCULAR DYSTROPHY, CONGENITAL, GMPPB-RELATED; Muscular dystrophy-dystroglycanopathy (congenital with intellectual disability), type B14. Identifiers: MedGen C3809221, MONDO:0014141, OMIM 615351.
Autosomal recessive limb-girdle muscular dystrophy type 2T. Also called: Limb-girdle muscular dystrophy-dystroglycanopathy, type C14; Muscular dystrophy-dystroglycanopathy (limb-girdle), type c, 14; MUSCULAR DYSTROPHY-DYSTROGLYCANOPATHY, LIMB-GIRDLE, GMPPB-RELATED; MUSCULAR DYSTROPHY, LIMB-GIRDLE, TYPE 2T. Identifiers: Orphanet 363623, MedGen C4518000, MONDO:0014142, OMIM 615352.

Allele frequency attached by ClinVar (database versions not stated): TOPMed 0.00002.

Submission:

Labcorp Genetics (formerly Invitae), Labcorp
Classification: Uncertain significance for Autosomal recessive limb-girdle muscular dystrophy type 2T; Muscular dystrophy-dystroglycanopathy (congenital with brain and eye anomalies), type A14; Muscular dystrophy-dystroglycanopathy (congenital with impaired intellectual development), type B, 14. Last evaluated: 2022-02-10. Review status: criteria provided, single submitter. Criteria: Invitae Variant Classification Sherloc (09022015). Collection method: clinical testing. Allele origin: germline.
Comment: This sequence change replaces arginine, which is basic and polar, with glutamine, which is neutral and polar, at codon 293 of the GMPPB protein (p.Arg293Gln). The frequency data for this variant in the population databases is considered unreliable, as metrics indicate poor data quality at this position in the gnomAD database. This variant has not been reported in the literature in individuals affected with GMPPB-related conditions. ClinVar contains an entry for this variant (Variation ID: 541077). Advanced modeling of protein sequence and biophysical properties (such as structural, functional, and spatial information, amino acid conservation, physicochemical variation, residue mobility, and thermodynamic stability) performed at Invitae indicates that this missense variant is not expected to disrupt GMPPB protein function. Algorithms developed to predict the effect of sequence changes on RNA splicing suggest that this variant may create or strengthen a splice site. In summary, the available evidence is currently insufficient to determine the role of this variant in disease. Therefore, it has been classified as a Variant of Uncertain Significance.